The following is an entry in ClinVar:

NM_014159.7(SETD2):c.2767C>T (p.His923Tyr)

Gene: SETD2 (SET domain containing 2, histone lysine methyltransferase; minus strand). Cytogenetic location: 3p21.31.
Variant type: single nucleotide variant.
Coding change: c.2767C>T on transcript NM_014159.7 (MANE Select); coding-DNA position 2767, C replaced by T.
Protein change: p.His923Tyr; replaces histidine 923 with tyrosine.
Molecular consequence: missense variant. On other transcripts: non-coding transcript variant (1).
Genome position (GRCh38, 1-based): chr3:47,121,869, G>A on the plus strand (C>T on the coding strand, the complement: SETD2 is on the minus strand). VCF-style: chr3-47121869-G-A. GRCh37 (hg19) VCF-style: chr3-47163359-G-A.
Other names: c.2635C>T, p.His879Tyr (NM_001349370.3); short protein forms H879Y, H923Y.
Identifiers: ClinVar variation 3345146 (VCV003345146.1).

ClinVar aggregate classification (germline): Uncertain significance (0 of 4 stars; one submission).

Conditions:
SETD2-related disorder.

gnomAD v4.1: 1 of 1,613,962 alleles (0.000062%); highest among the groups gnomAD compares: Non-Finnish European, 0.000085%; no homozygotes.

Submission:

PreventionGenetics, part of Exact Sciences
Classification: Uncertain significance for SETD2-related condition. Last evaluated: 2024-09-03. Review status: no assertion criteria provided. Collection method: clinical testing. Allele origin: germline.
Comment: The SETD2 c.2767C>T variant is predicted to result in the amino acid substitution p.His923Tyr. To our knowledge, this variant has not been reported in the literature or in a large population database, indicating this variant is rare. At this time, the clinical significance of this variant is uncertain due to the absence of conclusive functional and genetic evidence.